The following is an entry in ClinVar:

NM_000046.5(ARSB):c.1466G>A (p.Arg489Lys)

Gene: ARSB (arylsulfatase B; minus strand). Cytogenetic location: 5q14.1.
Variant type: single nucleotide variant.
Coding change: c.1466G>A on transcript NM_000046.5 (MANE Select); coding-DNA position 1466, G replaced by A.
Protein change: p.Arg489Lys; replaces arginine 489 with lysine.
Molecular consequence: missense variant.
Genome position (GRCh38, 1-based): chr5:78,780,533, C>T on the plus strand (G>A on the coding strand, the complement: ARSB is on the minus strand). VCF-style: chr5-78780533-C-T. GRCh37 (hg19) VCF-style: chr5-78076356-C-T.
Other names: short protein forms R489K.
Identifiers: ClinVar variation 852645 (VCV000852645.10), dbSNP rs1748894464, ClinGen allele CA360339053.
Genomic context (GRCh38, chr5:78,780,533, plus strand): 5'-GAGTGTTTATGGTAGAACTGTAGGCGGGACAGGAGCTTTGTGACGATGTGAGGATATTCT[C>T]TGGACAGGTCATGTCTTTCTTCAGGGTCCCGATCAATATCAAAGAGCCAGAGGGTCTTGG-3'
Protein context (NP_000037.2, residues 479-499): RDPEERHDLS[Arg489Lys]EYPHIVTKLL

ClinVar aggregate classification (germline): Uncertain significance (1 of 4 stars; one submission).

Conditions:
Mucopolysaccharidosis type 6 (MPS6). Also called: N-ACETYLGALACTOSAMINE-4-SULFATASE DEFICIENCY; MPS VI; ARSB DEFICIENCY; ARYLSULFATASE B DEFICIENCY; MPS 6; Maroteaux Lamy syndrome. Identifiers: Orphanet 583, MedGen C0026709, MONDO:0009661, OMIM 253200.

Submission:

Labcorp Genetics (formerly Invitae), Labcorp
Classification: Uncertain significance for Mucopolysaccharidosis type 6. Last evaluated: 2019-01-20. Review status: criteria provided, single submitter. Criteria: Invitae Variant Classification Sherloc (09022015). Collection method: clinical testing. Allele origin: germline.
Comment: In summary, the available evidence is currently insufficient to determine the role of this variant in disease. Therefore, it has been classified as a Variant of Uncertain Significance. Algorithms developed to predict the effect of missense changes on protein structure and function output the following: SIFT: "Tolerated"; PolyPhen-2: "Benign"; Align-GVGD: "Class C0". The lysine amino acid residue is found in multiple mammalian species, suggesting that this missense change does not adversely affect protein function. These predictions have not been confirmed by published functional studies and their clinical significance is uncertain. This variant has not been reported in the literature in individuals with ARSB-related conditions. This variant is not present in population databases (ExAC no frequency). This sequence change replaces arginine with lysine at codon 489 of the ARSB protein (p.Arg489Lys). The arginine residue is moderately conserved and there is a small physicochemical difference between arginine and lysine.